The following is an entry in ClinVar:

ClinVar aggregate classification (germline): Uncertain significance (1 of 4 stars; one submission).

Conditions:
Early-infantile DEE. Also called: Early infantile epileptic encephalopathy; Early infantile epileptic encephalopathy with suppression bursts; Ohtahara syndrome. Identifiers: Orphanet 1934, MedGen C0393706, MONDO:0800491.

Allele frequency attached by ClinVar (database versions not stated): ESP Exome Variant Server 0.00008.

Submission:

Labcorp Genetics (formerly Invitae), Labcorp
Classification: Uncertain significance for Early-infantile DEE. Last evaluated: 2021-11-23. Review status: criteria provided, single submitter. Criteria: Invitae Variant Classification Sherloc (09022015). Collection method: clinical testing. Allele origin: germline.
Comment: Algorithms developed to predict the effect of missense changes on protein structure and function (SIFT, PolyPhen-2, Align-GVGD) all suggest that this variant is likely to be tolerated. Algorithms developed to predict the effect of sequence changes on RNA splicing suggest that this variant may create or strengthen a splice site. In summary, the available evidence is currently insufficient to determine the role of this variant in disease. Therefore, it has been classified as a Variant of Uncertain Significance. ClinVar contains an entry for this variant (Variation ID: 530497). This variant has not been reported in the literature in individuals affected with CACNA2D2-related conditions. This variant is not present in population databases (gnomAD no frequency). This sequence change replaces arginine, which is basic and polar, with lysine, which is basic and polar, at codon 616 of the CACNA2D2 protein (p.Arg616Lys).

NM_006030.4(CACNA2D2):c.1847G>A (p.Arg616Lys)

Gene: CACNA2D2 (calcium voltage-gated channel auxiliary subunit alpha2delta 2; minus strand). Cytogenetic location: 3p21.31.
Variant type: single nucleotide variant.
Coding change: c.1847G>A on transcript NM_006030.4 (MANE Select); coding-DNA position 1847, G replaced by A.
Protein change: p.Arg616Lys; replaces arginine 616 with lysine.
Molecular consequence: missense variant.
Genome position (GRCh38, 1-based): chr3:50,375,704, C>T on the plus strand (G>A on the coding strand, the complement: CACNA2D2 is on the minus strand). VCF-style: chr3-50375704-C-T. GRCh37 (hg19) VCF-style: chr3-50413135-C-T.
Other names: c.1847G>A, p.Arg616Lys (NM_001005505.3, NM_001174051.3); c.1640G>A, p.Arg547Lys (NM_001291101.1); short protein forms R616K, R547K.
Identifiers: ClinVar variation 530497 (VCV000530497.6), dbSNP rs371214569, ClinGen allele CA74613021.